The following is an entry in ClinVar:

NM_001854.4(COL11A1):c.1708C>T (p.Pro570Ser)

Gene: COL11A1 (collagen type XI alpha 1 chain; minus strand). Cytogenetic location: 1p21.1.
Variant type: single nucleotide variant.
Coding change: c.1708C>T on transcript NM_001854.4 (MANE Select); coding-DNA position 1708, C replaced by T.
Protein change: p.Pro570Ser; replaces proline 570 with serine.
Molecular consequence: missense variant. On other transcripts: non-coding transcript variant (1).
Genome position (GRCh38, 1-based): chr1:103,006,291, G>A on the plus strand (C>T on the coding strand, the complement: COL11A1 is on the minus strand). VCF-style: chr1-103006291-G-A. GRCh37 (hg19) VCF-style: chr1-103471847-G-A.
Other names: c.1591C>T, p.Pro531Ser (NM_001190709.2); c.1744C>T, p.Pro582Ser (NM_080629.3); c.1360C>T, p.Pro454Ser (NM_080630.4); short protein forms P570S, P531S, P454S, P582S.
Identifiers: ClinVar variation 1522969 (VCV001522969.9), dbSNP rs1194226000, ClinGen allele CA341175099.

ClinVar aggregate classification (germline): Conflicting classifications of pathogenicity. Review status: criteria provided, conflicting classifications (1 of 4 stars). 2 submissions from 2 submitters: Uncertain significance (1); Likely benign (1). Last evaluated 2026-09-09.

Allele frequency attached by ClinVar (database versions not stated): gnomAD 0.00001; gnomAD exomes 0.00002 and 0.00004; TOPMed 0.00002.
gnomAD v4.1: 62 of 1,609,442 alleles (0.0039%); highest among the groups gnomAD compares: Non-Finnish European, 0.0053%; no homozygotes.

Submissions (2):

GeneDx
Classification: Uncertain significance. Last evaluated: 2026-09-09. Review status: criteria provided, single submitter. Criteria: GeneDx Variant Classification Process June 2021. Collection method: clinical testing. Allele origin: germline.
Comment: Has not been previously published as pathogenic or benign to our knowledge; Not observed at significant frequency in large population cohorts (gnomAD); In silico analysis supports that this missense variant has a deleterious effect on protein structure/function

Labcorp Genetics (formerly Invitae), Labcorp
Classification: Likely benign. Last evaluated: 2025-04-02. Review status: criteria provided, single submitter. Criteria: Invitae Variant Classification Sherloc (09022015). Collection method: clinical testing. Allele origin: germline.